The following is an entry in ClinVar:

ClinVar aggregate classification (germline): Uncertain significance (1 of 4 stars; one submission).

Conditions:
Androgen resistance syndrome (AIS). Also called: ANDROGEN RECEPTOR DEFICIENCY; DIHYDROTESTOSTERONE RECEPTOR DEFICIENCY; TESTICULAR FEMINIZATION SYNDROME; DHTR DEFICIENCY; Androgen insensitivity syndrome; Androgen insensitivity. Identifiers: Orphanet 754, Orphanet 99429, MedGen C0039585, MONDO:0019154, OMIM 300068. Disease mechanism: loss of function.
Kennedy disease (SMAX1). Also called: SPINAL AND BULBAR MUSCULAR ATROPHY, X-LINKED 1; KENNEDY SPINAL AND BULBAR MUSCULAR ATROPHY; Spinal and Bulbar Muscular Atrophy. Identifiers: Orphanet 481, MedGen C1839259, MONDO:0010735, OMIM 313200.

gnomAD v4.1: 1 of 1,210,944 alleles (0.000083%); highest among the groups gnomAD compares: East Asian, 0.003%; no homozygotes.

Submission:

Labcorp Genetics (formerly Invitae), Labcorp
Classification: Uncertain significance for Kennedy disease; Androgen resistance syndrome. Last evaluated: 2025-05-08. Review status: criteria provided, single submitter. Criteria: Invitae Variant Classification Sherloc (09022015). Collection method: clinical testing. Allele origin: germline.
Comment: This sequence change replaces histidine, which is basic and polar, with arginine, which is basic and polar, at codon 875 of the AR protein (p.His875Arg). This variant is not present in population databases (gnomAD no frequency). This missense change has been observed in individual(s) with androgen Insensitivity Syndrome (PMID: 11587068; internal data). This variant is also known as H874R. Invitae Evidence Modeling of protein sequence and biophysical properties (such as structural, functional, and spatial information, amino acid conservation, physicochemical variation, residue mobility, and thermodynamic stability) indicates that this missense variant is expected to disrupt AR protein function with a positive predictive value of 80%. In summary, the available evidence is currently insufficient to determine the role of this variant in disease. Therefore, it has been classified as a Variant of Uncertain Significance.

Literature cited by the submitters: PubMed 11587068.

NM_000044.6(AR):c.2624A>G (p.His875Arg)

Gene: AR (androgen receptor; plus strand). Cytogenetic location: Xq12.
Variant type: single nucleotide variant.
Coding change: c.2624A>G on transcript NM_000044.6 (MANE Select); coding-DNA position 2624, A replaced by G.
Protein change: p.His875Arg; replaces histidine 875 with arginine.
Molecular consequence: missense variant.
Genome position (GRCh38, 1-based): chrX:67,723,702, A>G. VCF-style: chrX-67723702-A-G. GRCh37 (hg19) VCF-style: chrX-66943544-A-G.
Other names: c.1028A>G, p.His343Arg (NM_001011645.3); short protein forms H343R, H875R.
Identifiers: ClinVar variation 4783874 (VCV004783874.1).